The following is an entry in ClinVar:

ClinVar aggregate classification (germline): Pathogenic (1 of 4 stars; one submission).

Submission:

GeneDx
Classification: Pathogenic. Last evaluated: 2013-09-05. Review status: criteria provided, single submitter. Criteria: GeneDx Variant Classification (06012015). Collection method: clinical testing. Allele origin: germline. Affected: yes.
Comment: The c.1349_1352delATGA mutation in the FH gene causes a frameshift starting with codon Asparagine 450, changes this amino acid to a Serine residue, and creates a premature Stop codon at position 3 of the new reading frame, denoted p.Ans450SerfsX3. This mutation is predicted to cause loss of normal protein function through protein truncation. Although this mutation has not been previously reported to our knowledge, its presence is consistent with a diagnosis of HLRCC. The variant is found in FH panel(s).

NM_000143.4(FH):c.1349_1352del (p.Asn450fs)

Gene: FH (fumarate hydratase; minus strand). Cytogenetic location: 1q43.
Variant type: Microsatellite.
Coding change: c.1349_1352del on transcript NM_000143.4 (MANE Select); coding-DNA positions 1349 to 1352, 4 bases deleted (ATGA; older notation c.1349_1352delATGA).
Protein change: p.Asn450fs; shifts the reading frame from asparagine 450.
Molecular consequence: frameshift variant.
Genome position (GRCh38, 1-based): chr1:241,500,475-241,500,478, TCAT deleted on the plus strand (ATGA on the coding strand, the reverse complement: FH is on the minus strand); deleting any 4 consecutive bases within chr1:241,500,475-241,500,482 gives the same sequence; the c. name uses the placement nearest the transcript's 3' end. VCF-style (leftmost placement, unchanged base first): chr1-241500474-CTCAT-C. GRCh37 (hg19) VCF-style: chr1-241663774-CTCAT-C.
Other names: c.1349_1352delATGA (NM_000143.3); short protein forms N450fs.
Identifiers: ClinVar variation 214403 (VCV000214403.1), dbSNP rs863223990, ClinGen allele CA325420.